The following is an entry in ClinVar:

NM_000096.4(CP):c.119G>C (p.Gly40Ala)

Gene: CP (ceruloplasmin; minus strand). Cytogenetic location: 3q25.1.
Variant type: single nucleotide variant.
Coding change: c.119G>C on transcript NM_000096.4 (MANE Select); coding-DNA position 119, G replaced by C.
Protein change: p.Gly40Ala; replaces glycine 40 with alanine.
Molecular consequence: missense variant. On other transcripts: non-coding transcript variant (1).
Genome position (GRCh38, 1-based): chr3:149,221,674, C>G on the plus strand (G>C on the coding strand, the complement: CP is on the minus strand). VCF-style: chr3-149221674-C-G. GRCh37 (hg19) VCF-style: chr3-148939461-C-G.
Other names: short protein forms G40A.
Identifiers: ClinVar variation 840276 (VCV000840276.9), dbSNP rs748730192, ClinGen allele CA354923158.

ClinVar aggregate classification (germline): Uncertain significance (1 of 4 stars; one submission).

Conditions:
Deficiency of ferroxidase (ACEP). Also called: NEURODEGENERATION WITH BRAIN IRON ACCUMULATION 10; Deficiency of ceruloplasmin; Ceruloplasmin deficiency; Familial apoceruloplasmin deficiency; Hereditary ceruloplasmin deficiency; Aceruloplasminemia. Identifiers: Orphanet 48818, MedGen C0878682, MONDO:0011426, OMIM 604290, HP:0025498.

Submission:

Labcorp Genetics (formerly Invitae), Labcorp
Classification: Uncertain significance for Deficiency of ferroxidase. Last evaluated: 2019-02-19. Review status: criteria provided, single submitter. Criteria: Invitae Variant Classification Sherloc (09022015). Collection method: clinical testing. Allele origin: germline.
Comment: In summary, the available evidence is currently insufficient to determine the role of this variant in disease. Therefore, it has been classified as a Variant of Uncertain Significance. Algorithms developed to predict the effect of missense changes on protein structure and function (SIFT, PolyPhen-2, Align-GVGD) all suggest that this variant is likely to be tolerated, but these predictions have not been confirmed by published functional studies and their clinical significance is uncertain. This variant has not been reported in the literature in individuals with CP-related conditions. This variant is not present in population databases (ExAC no frequency). This sequence change replaces glycine with alanine at codon 40 of the CP protein (p.Gly40Ala). The glycine residue is weakly conserved and there is a small physicochemical difference between glycine and alanine.